The following is an entry in ClinVar:

NM_000138.5(FBN1):c.6996del (p.Asp2333fs)

Gene: FBN1 (fibrillin 1; minus strand). Cytogenetic location: 15q21.1.
Variant type: Deletion.
Coding change: c.6996del on transcript NM_000138.5 (MANE Select); coding-DNA position 6996, one base deleted (T; older notation c.6996delT).
Protein change: p.Asp2333fs; shifts the reading frame from aspartic acid 2333.
Molecular consequence: frameshift variant.
Genome position (GRCh38, 1-based): chr15:48,428,347, A deleted on the plus strand (T on the coding strand, the reverse complement: FBN1 is on the minus strand); the first of 2 consecutive A bases (chr15:48,428,347-48,428,348); deleting either gives the same sequence. VCF-style (leftmost placement, unchanged base first): chr15-48428346-CA-C. GRCh37 (hg19) VCF-style: chr15-48720543-CA-C.
Other names: short protein forms D2333fs.
Identifiers: ClinVar variation 1453792 (VCV001453792.8), dbSNP rs2141229819, ClinGen allele CA2573150967.

ClinVar aggregate classification (germline): Pathogenic (1 of 4 stars; one submission).

Conditions:
Marfan syndrome (MFS). Also called: MARFAN SYNDROME, TYPE I; Marfan syndrome type 1; Marfan's syndrome; Marfan syndrome, classic; FBN1-Related Marfan Syndrome. Identifiers: Orphanet 284963, Orphanet 558, MedGen C0024796, MONDO:0007947, OMIM 154700.
Familial thoracic aortic aneurysm and aortic dissection (TAAD). Also called: Thoracic aortic aneurysms and dissections. Identifiers: Orphanet 91387, MedGen C4707243, MONDO:0019625.

Submission:

Labcorp Genetics (formerly Invitae), Labcorp
Classification: Pathogenic for Marfan syndrome; Familial thoracic aortic aneurysm and aortic dissection. Last evaluated: 2021-02-09. Review status: criteria provided, single submitter. Criteria: Invitae Variant Classification Sherloc (09022015). Collection method: clinical testing. Allele origin: germline.
Comment: For these reasons, this variant has been classified as Pathogenic. This sequence change creates a premature translational stop signal (p.Asp2333Thrfs*65) in the FBN1 gene. It is expected to result in an absent or disrupted protein product. Loss-of-function variants in FBN1 are known to be pathogenic (PMID: 17657824, 19293843). This variant is not present in population databases (ExAC no frequency). This variant has been observed in individual(s) with clinical features of FBN1-related disease (PMID: 11933199).

Literature cited by the submitters: PubMed 17657824; PubMed 19293843; PubMed 11933199.